The following is an entry in ClinVar:

ClinVar aggregate classification (germline): Uncertain significance. Review status: criteria provided, multiple submitters, no conflicts (2 of 4 stars). 2 submissions from 2 submitters: Uncertain significance (2). Last evaluated 2024-05-16.

Conditions:
Developmental and epileptic encephalopathy, 9 (DEE9). Also called: PCDH19-Related X-Linked Female-Limited Epilepsy with Mental Retardation; Early infantile epileptic encephalopathy 9; EPILEPSY, FEMALE-RESTRICTED, WITH MENTAL RETARDATION; JUBERG-HELLMAN SYNDROME. Identifiers: Orphanet 101039, Orphanet 2076, MedGen C1848137, MONDO:0010246, OMIM 300088. Disease mechanism: loss of function.

Submissions (2):

GeneDx
Classification: Uncertain significance. Last evaluated: 2024-05-16. Review status: criteria provided, single submitter. Criteria: GeneDx Variant Classification Process June 2021. Collection method: clinical testing. Allele origin: germline. Affected: yes.
Comment: Not observed at significant frequency in large population cohorts (gnomAD); In-frame deletion of 2 amino acids and insertion of 4 amino acids in a non-repeat region; In silico analysis indicates that this variant does not alter protein structure/function; Has not been previously published as pathogenic or benign to our knowledge

Labcorp Genetics (formerly Invitae), Labcorp
Classification: Uncertain significance for Developmental and epileptic encephalopathy, 9. Last evaluated: 2023-10-22. Review status: criteria provided, single submitter. Criteria: Invitae Variant Classification Sherloc (09022015). Collection method: clinical testing. Allele origin: germline.
Comment: This variant, c.1853_1857delinsCGAAGTCAGAA, is a complex sequence change that results in the deletion of 2 and insertion of 4 amino acid(s) in the PCDH19 protein (p.Asp618_Gln619delinsAlaLysSerGlu). Information on the frequency of this variant in the gnomAD database is not available, as this variant may be reported differently in the database. This variant has not been reported in the literature in individuals affected with PCDH19-related conditions. Experimental studies and prediction algorithms are not available or were not evaluated, and the functional significance of this variant is currently unknown. In summary, the available evidence is currently insufficient to determine the role of this variant in disease. Therefore, it has been classified as a Variant of Uncertain Significance.

NM_001184880.2(PCDH19):c.1853_1857delinsCGAAGTCAGAA (p.Asp618_Gln619delinsAlaLysSerGlu)

Gene: PCDH19 (protocadherin 19; minus strand). Cytogenetic location: Xq22.1.
Variant type: Indel.
Coding change: c.1853_1857delinsCGAAGTCAGAA on transcript NM_001184880.2 (MANE Select); coding-DNA positions 1853 to 1857, ACCAG replaced by CGAAGTCAGAA.
Protein change: p.Asp618_Gln619delinsAlaLysSerGlu.
Molecular consequence: inframe indel.
Genome position (GRCh38, 1-based): chrX:100,406,741-100,406,745, CTGGT replaced by TTCTGACTTCG on the plus strand (ACCAG replaced by CGAAGTCAGAA on the coding strand, the reverse complement: PCDH19 is on the minus strand). VCF-style: chrX-100406741-CTGGT-TTCTGACTTCG. GRCh37 (hg19) VCF-style: chrX-99661739-CTGGT-TTCTGACTTCG.
Other names: c.1853_1857delinsCGAAGTCAGAA, p.Asp618_Gln619delinsAlaLysSerGlu (NM_001105243.2, NM_020766.3).
Identifiers: ClinVar variation 570838 (VCV000570838.9), dbSNP rs1569314297, ClinGen allele CA891843592.